The following is an entry in ClinVar:

NM_000392.5(ABCC2):c.225T>C (p.Leu75=)

Gene: ABCC2 (ATP binding cassette subfamily C member 2; plus strand). Cytogenetic location: 10q24.2.
Variant type: single nucleotide variant.
Coding change: c.225T>C on transcript NM_000392.5 (MANE Select); coding-DNA position 225, T replaced by C.
Protein change: p.Leu75=; no amino-acid change (leucine 75 retained).
Molecular consequence: synonymous variant.
Genome position (GRCh38, 1-based): chr10:99,792,251, T>C. VCF-style: chr10-99792251-T-C. GRCh37 (hg19) VCF-style: chr10-101552008-T-C.
Other names: c.225T>C (NM_000392.4).
Identifiers: ClinVar variation 2917353 (VCV002917353.5), dbSNP rs2132966039, ClinGen allele CA471121001.
Genomic context (GRCh38, chr10:99,792,251, plus strand): 5'-AAAGAATGATATCCTCTTAACAGTGGTCTTTTTCCCTTCTCAGGTATTCGTTGGTTTTCT[T>C]CTTATTCTAGCAGCCATAGAGCTGGCCCTTGTACTCACAGAAGACTCTGGACAAGCCACA-3'
Protein context (NP_000383.2, residues 65-85): YLAKQVFVGF[Leu75=]LILAAIELAL

ClinVar aggregate classification (germline): Likely benign. Review status: criteria provided, single submitter (1 of 4 stars). 2 submissions from 2 submitters: Likely benign (1). 1 of the submissions does not count toward it. Last evaluated 2023-12-25.

Conditions:
ABCC2-related disorder. Also called: ABCC2-related condition.

gnomAD v4.1: 1 of 1,614,096 alleles (0.000062%); no homozygotes.

Submissions (2):

Labcorp Genetics (formerly Invitae), Labcorp
Classification: Likely benign. Last evaluated: 2023-12-25. Review status: criteria provided, single submitter. Criteria: Invitae Variant Classification Sherloc (09022015). Collection method: clinical testing. Allele origin: germline.

PreventionGenetics, part of Exact Sciences
Classification: Likely benign for ABCC2-related condition. Last evaluated: 2021-03-30. Review status: no assertion criteria provided. Collection method: clinical testing. Allele origin: germline. Not counted in ClinVar's aggregate classification.
Comment: This variant is classified as likely benign based on ACMG/AMP sequence variant interpretation guidelines (Richards et al. 2015 PMID: 25741868, with internal and published modifications).